The following is an entry in ClinVar:

NM_005045.4(RELN):c.2566A>G (p.Ile856Val)

Gene: RELN (reelin; minus strand). Cytogenetic location: 7q22.1.
Variant type: single nucleotide variant.
Coding change: c.2566A>G on transcript NM_005045.4 (MANE Select); coding-DNA position 2566, A replaced by G.
Protein change: p.Ile856Val; replaces isoleucine 856 with valine.
Molecular consequence: missense variant.
Genome position (GRCh38, 1-based): chr7:103,630,076, T>C on the plus strand (A>G on the coding strand, the complement: RELN is on the minus strand). VCF-style: chr7-103630076-T-C. GRCh37 (hg19) VCF-style: chr7-103270523-T-C.
Other names: c.2566A>G, p.Ile856Val (NM_173054.3); short protein forms I856V.
Identifiers: ClinVar variation 959663 (VCV000959663.30), dbSNP rs371309082, ClinGen allele CA4421977.

ClinVar aggregate classification (germline): Conflicting classifications of pathogenicity. Review status: criteria provided, conflicting classifications (1 of 4 stars). 3 submissions from 3 submitters: Uncertain significance (2); Likely benign (1). Last evaluated 2024-01-04.

Conditions:
Norman-Roberts syndrome (LIS2). Also called: Lissencephaly 2 (Norman-Roberts type). Identifiers: Orphanet 89844, MedGen C0796089, MONDO:0009760, OMIM 257320.
Familial temporal lobe epilepsy 7. Identifiers: Orphanet 101046, MedGen C4225327, MONDO:0014639, OMIM 616436.
Inborn genetic diseases. Identifiers: MedGen C0950123, MeSH D030342.

Allele frequency attached by ClinVar (database versions not stated): ExAC 0.00002; gnomAD 0.00002 and 0.00003; gnomAD exomes 0.00002 and 0.00003; TOPMed 0.00003; ESP Exome Variant Server 0.00008.
gnomAD v4.1: 49 of 1,613,160 alleles (0.003%); highest among the groups gnomAD compares: Non-Finnish European, 0.0035%; no homozygotes.

Submissions (3):

Labcorp Genetics (formerly Invitae), Labcorp
Classification: Uncertain significance for Familial temporal lobe epilepsy 7; Norman-Roberts syndrome. Last evaluated: 2024-01-04. Review status: criteria provided, single submitter. Criteria: Invitae Variant Classification Sherloc (09022015). Collection method: clinical testing. Allele origin: germline.
Comment: This sequence change replaces isoleucine, which is neutral and non-polar, with valine, which is neutral and non-polar, at codon 856 of the RELN protein (p.Ile856Val). This variant is present in population databases (rs371309082, gnomAD 0.003%). This variant has not been reported in the literature in individuals affected with RELN-related conditions. ClinVar contains an entry for this variant (Variation ID: 959663). Advanced modeling of protein sequence and biophysical properties (such as structural, functional, and spatial information, amino acid conservation, physicochemical variation, residue mobility, and thermodynamic stability) performed at Invitae indicates that this missense variant is not expected to disrupt RELN protein function with a negative predictive value of 80%. In summary, the available evidence is currently insufficient to determine the role of this variant in disease. Therefore, it has been classified as a Variant of Uncertain Significance.

CeGaT Center for Human Genetics Tuebingen
Classification: Likely benign. Last evaluated: 2023-10-01. Review status: criteria provided, single submitter. Criteria: CeGaT Center For Human Genetics Tuebingen Variant Classification Criteria Version 2. Collection method: clinical testing. Allele origin: germline. Affected: yes. Observed: 1 variant allele.
Comment: RELN: BP4

Ambry Genetics
Classification: Uncertain significance for Inborn genetic diseases. Last evaluated: 2023-03-06. Review status: criteria provided, single submitter. Criteria: Ambry Variant Classification Scheme 2023. Collection method: clinical testing. Allele origin: germline.